The following is an entry in ClinVar:

ClinVar aggregate classification (germline): Pathogenic (1 of 4 stars; one submission).

Submission:

Labcorp Genetics (formerly Invitae), Labcorp
Classification: Pathogenic. Last evaluated: 2024-04-17. Review status: criteria provided, single submitter. Criteria: Invitae Variant Classification Sherloc (09022015). Collection method: clinical testing. Allele origin: germline.
Comment: This sequence change creates a premature translational stop signal (p.Ser146Valfs*13) in the PRPF8 gene. It is expected to result in an absent or disrupted protein product. Loss-of-function variants in PRPF8 are known to be pathogenic (PMID: 27208204, 31054281, 33946315). This variant is present in population databases (rs746170558, gnomAD 0.0009%). This variant has not been reported in the literature in individuals affected with PRPF8-related conditions. This variant is also known as c.434+1dup. ClinVar contains an entry for this variant (Variation ID: 1403977). Algorithms developed to predict the effect of sequence changes on RNA splicing suggest that this variant may disrupt the consensus splice site. For these reasons, this variant has been classified as Pathogenic.

Literature cited by the submitters: PubMed 27208204; PubMed 31054281; PubMed 33946315.

NM_006445.4(PRPF8):c.434+1dup

Gene: PRPF8 (pre-mRNA processing factor 8; minus strand). Cytogenetic location: 17p13.3.
Variant type: Duplication.
Coding change: c.434+1dup on transcript NM_006445.4 (MANE Select); the canonical splice donor site of the intron after coding-DNA position 434, one base duplicated (G; older notation c.434+1dupG).
Molecular consequence: splice donor variant.
Genome position (GRCh38, 1-based): chr17:1,682,128, C duplicated on the plus strand (G on the coding strand, the reverse complement: PRPF8 is on the minus strand); the first of 5 consecutive C bases (chr17:1,682,128-1,682,132); duplicating any one gives the same sequence. VCF-style (leftmost placement, unchanged base first): chr17-1682127-A-AC. GRCh37 (hg19) VCF-style: chr17-1585421-A-AC.
Identifiers: ClinVar variation 1403977 (VCV001403977.8), dbSNP rs746170558, ClinGen allele CA8272638.